The following is an entry in ClinVar:

NM_001375405.1(CEP120):c.68G>A (p.Arg23His)

Gene: CEP120 (centrosomal protein 120; minus strand). Cytogenetic location: 5q23.2.
Variant type: single nucleotide variant.
Coding change: c.68G>A on transcript NM_001375405.1 (MANE Select); coding-DNA position 68, G replaced by A.
Protein change: p.Arg23His; replaces arginine 23 with histidine.
Molecular consequence: missense variant. On other transcripts: 5 prime UTR variant (3), non-coding transcript variant (1).
Genome position (GRCh38, 1-based): chr5:123,418,497, C>T on the plus strand (G>A on the coding strand, the complement: CEP120 is on the minus strand). VCF-style: chr5-123418497-C-T. GRCh37 (hg19) VCF-style: chr5-122754191-C-T.
Other names: c.-11G>A (NM_001166226.2); c.68G>A, p.Arg23His (NM_001375406.1, NM_001375407.1, NM_153223.4); c.-681G>A (NM_001375408.1); c.-623G>A (NM_001375409.1); short protein forms R23H.
Identifiers: ClinVar variation 4739252 (VCV004739252.1).
Genomic context (GRCh38, chr5:123,418,497, plus strand): 5'-GGATCAGTAGCCAACTGTTCTCCATCAAACTTTGCTTCCACTACAAGCATATGCTTTGGA[C>T]GTTTGGGGAAATGCCGACCTGGAGAAACAGAATATATAGATTAATCAAAAGTGTACAAAA-3'
Protein context (NP_001362334.1, residues 13-33): SILEGRHFPK[Arg23His]PKHMLVVEAK

ClinVar aggregate classification (germline): Uncertain significance (1 of 4 stars; one submission).

Conditions:
Short-rib thoracic dysplasia 13 with or without polydactyly (SRTD13). Identifiers: Orphanet 474, MedGen C4225378, MONDO:0014577, OMIM 616300.

gnomAD v4.1: 3 of 1,603,514 alleles (0.00019%); highest among the groups gnomAD compares: Non-Finnish European, 0.00026%; no homozygotes.

Submission:

Labcorp Genetics (formerly Invitae), Labcorp
Classification: Uncertain significance for Short-rib thoracic dysplasia 13 with or without polydactyly. Last evaluated: 2025-06-15. Review status: criteria provided, single submitter. Criteria: Invitae Variant Classification Sherloc (09022015). Collection method: clinical testing. Allele origin: germline.
Comment: This sequence change replaces arginine, which is basic and polar, with histidine, which is basic and polar, at codon 23 of the CEP120 protein (p.Arg23His). This variant is not present in population databases (gnomAD no frequency). This variant has not been reported in the literature in individuals affected with CEP120-related conditions. Invitae Evidence Modeling of protein sequence and biophysical properties (such as structural, functional, and spatial information, amino acid conservation, physicochemical variation, residue mobility, and thermodynamic stability) indicates that this missense variant is expected to disrupt CEP120 protein function with a positive predictive value of 80%. In summary, the available evidence is currently insufficient to determine the role of this variant in disease. Therefore, it has been classified as a Variant of Uncertain Significance.